The following is an entry in ClinVar:

ClinVar aggregate classification (germline): Likely pathogenic (1 of 4 stars; one submission).

Conditions:
Long QT syndrome (LQTS). Identifiers: MedGen C0023976, MeSH D008133, MONDO:0002442. Disease mechanism: loss of function. Inheritance: Various modes of inheritance.

Submission:

Labcorp Genetics (formerly Invitae), Labcorp
Classification: Likely pathogenic for Long QT syndrome. Last evaluated: 2023-03-10. Review status: criteria provided, single submitter. Criteria: Invitae Variant Classification Sherloc (09022015). Collection method: clinical testing. Allele origin: germline.
Comment: In summary, the currently available evidence indicates that the variant is pathogenic, but additional data are needed to prove that conclusively. Therefore, this variant has been classified as Likely Pathogenic. This variant disrupts the p.Thr587 amino acid residue in KCNQ1. Other variant(s) that disrupt this residue have been determined to be pathogenic (PMID: 9799083, 11162126, 15234419, 20487114, 24217263). This suggests that this residue is clinically significant, and that variants that disrupt this residue are likely to be disease-causing. Advanced modeling of protein sequence and biophysical properties (such as structural, functional, and spatial information, amino acid conservation, physicochemical variation, residue mobility, and thermodynamic stability) performed at Invitae indicates that this missense variant is expected to disrupt KCNQ1 protein function. ClinVar contains an entry for this variant (Variation ID: 1037124). This variant is also known as W379X. This missense change has been observed in individual(s) with clinical features of long QT syndrome (PMID: 26118460, 30244407). This variant is not present in population databases (gnomAD no frequency). This sequence change replaces threonine, which is neutral and polar, with arginine, which is basic and polar, at codon 587 of the KCNQ1 protein (p.Thr587Arg).

Literature cited by the submitters: PubMed 9799083; PubMed 11162126; PubMed 15234419; PubMed 20487114; PubMed 24217263; PubMed 26118460; PubMed 30244407.

NM_000218.3(KCNQ1):c.1760C>G (p.Thr587Arg)

Gene: KCNQ1 (potassium voltage-gated channel subfamily Q member 1; plus strand). Cytogenetic location: 11p15.5.
Variant type: single nucleotide variant.
Coding change: c.1760C>G on transcript NM_000218.3 (MANE Select); coding-DNA position 1760, C replaced by G.
Protein change: p.Thr587Arg; replaces threonine 587 with arginine.
Molecular consequence: missense variant.
Genome position (GRCh38, 1-based): chr11:2,778,003, C>G. VCF-style: chr11-2778003-C-G. GRCh37 (hg19) VCF-style: chr11-2799233-C-G.
Other names: c.1664C>G, p.Thr555Arg (NM_001406836.1); c.1490C>G, p.Thr497Arg (NM_001406837.1); c.1220C>G, p.Thr407Arg (NM_001406838.1); c.272C>G, p.Thr91Arg (NM_001406839.1); c.1379C>G, p.Thr460Arg (NM_181798.2); short protein forms T587R, T460R, T407R, T497R, T555R, T91R.
Identifiers: ClinVar variation 1037124 (VCV001037124.8), dbSNP rs120074189, ClinGen allele CA379139700.